The following is an entry in ClinVar:

NM_001365536.1(SCN9A):c.2152G>T (p.Ala718Ser)

Genes: SCN1A-AS1 (SCN1A and SCN9A antisense RNA 1; plus strand), SCN9A (sodium voltage-gated channel alpha subunit 9; minus strand). Cytogenetic location: 2q24.3.
Variant type: single nucleotide variant.
Coding change: c.2152G>T on transcript NM_001365536.1 (MANE Select); coding-DNA position 2152, G replaced by T.
Protein change: p.Ala718Ser; replaces alanine 718 with serine.
Molecular consequence: missense variant.
Genome position (GRCh38, 1-based): chr2:166,280,548, C>A on the plus strand (G>T on the coding strand, the complement: SCN9A is on the minus strand). VCF-style: chr2-166280548-C-A. GRCh37 (hg19) VCF-style: chr2-167137058-C-A.
Other names: c.2119G>T, p.Ala707Ser (NM_002977.4); short protein forms A707S, A718S.
Identifiers: ClinVar variation 2444752 (VCV002444752.1), dbSNP rs1209373152, ClinGen allele CA349079851.

ClinVar aggregate classification (germline): Uncertain significance (1 of 4 stars; one submission).

gnomAD v4.1: 3 of 1,590,974 alleles (0.00019%); highest among the groups gnomAD compares: South Asian, 0.0011%; no homozygotes.

Submission:

GeneDx
Classification: Uncertain significance. Last evaluated: 2022-09-16. Review status: criteria provided, single submitter. Criteria: GeneDx Variant Classification Process June 2021. Collection method: clinical testing. Allele origin: germline. Affected: yes.
Comment: Not observed at significant frequency in large population cohorts (gnomAD); In silico analysis supports that this missense variant does not alter protein structure/function; Has not been previously published as pathogenic or benign to our knowledge